The following is an entry in ClinVar:

ClinVar aggregate classification (germline): Likely benign (1 of 4 stars; one submission).

gnomAD v4.1: 23 of 1,614,104 alleles (0.0014%); highest among the groups gnomAD compares: Admixed American, 0.038%; no homozygotes.

Submission:

CeGaT Center for Human Genetics Tuebingen
Classification: Likely benign. Last evaluated: 2026-01-01. Review status: criteria provided, single submitter. Criteria: CeGaT Center For Human Genetics Tuebingen Variant Classification Criteria Version 2. Collection method: clinical testing. Allele origin: germline. Affected: yes. Observed: 1 variant allele.
Comment: CHD5: BP4, BP7

NM_015557.3(CHD5):c.2319C>A (p.Pro773=)

Gene: CHD5 (chromodomain helicase DNA binding protein 5; minus strand). Cytogenetic location: 1p36.31.
Variant type: single nucleotide variant.
Coding change: c.2319C>A on transcript NM_015557.3 (MANE Select); coding-DNA position 2319, C replaced by A.
Protein change: p.Pro773=; no amino-acid change (proline 773 retained).
Molecular consequence: synonymous variant.
Genome position (GRCh38, 1-based): chr1:6,142,245, G>T on the plus strand (C>A on the coding strand, the complement: CHD5 is on the minus strand). VCF-style: chr1-6142245-G-T. GRCh37 (hg19) VCF-style: chr1-6202305-G-T.
Identifiers: ClinVar variation 4823003 (VCV004823003.4).
Genomic context (GRCh38, chr1:6,142,245, plus strand): 5'-GTTCTCCCGAATCACCGAGCGGCTCTCCTTGTCCCCCGTGTAGGTGACCACGTAGAAGTC[G>T]GGCGCCCACATCTCAAACTCGCGTTCCCAGTTGATGATGGTGGAGAGGGGCGCGCTAACC-3'
Protein context (NP_056372.1, residues 763-783): NWEREFEMWA[Pro773=]DFYVVTYTGD